The following is an entry in ClinVar:

ClinVar aggregate classification (germline): Conflicting classifications of pathogenicity. Review status: criteria provided, conflicting classifications (1 of 4 stars). 4 submissions from 4 submitters: Uncertain significance (3); Benign (1). Last evaluated 2026-02-18.

Conditions:
Cardiovascular phenotype. Identifiers: MedGen CN230736.
Legius syndrome. Identifiers: Orphanet 137605, MedGen C1969623, MONDO:0012669, OMIM 611431. Disease mechanism: loss of function.

Allele frequency attached by ClinVar (database versions not stated): gnomAD 0.00001; TOPMed 0.00001; ExAC 0.00002; gnomAD exomes 0.00002 and 0.00004.

Submissions (4):

Ambry Genetics
Classification: Benign for Cardiovascular phenotype. Last evaluated: 2026-02-18. Review status: criteria provided, single submitter. Criteria: Ambry Variant Classification Scheme 2023. Collection method: clinical testing. Allele origin: germline.

Labcorp Genetics (formerly Invitae), Labcorp
Classification: Uncertain significance for Legius syndrome. Last evaluated: 2025-08-11. Review status: criteria provided, single submitter. Criteria: Invitae Variant Classification Sherloc (09022015). Collection method: clinical testing. Allele origin: germline.
Comment: This sequence change replaces valine, which is neutral and non-polar, with isoleucine, which is neutral and non-polar, at codon 421 of the SPRED1 protein (p.Val421Ile). This variant is present in population databases (rs752958999, gnomAD 0.03%). This missense change has been observed in individual(s) with developmental delay and/or autism spectrum disorder (PMID: 33057194, 35982159). ClinVar contains an entry for this variant (Variation ID: 1312588). Invitae Evidence Modeling of protein sequence and biophysical properties (such as structural, functional, and spatial information, amino acid conservation, physicochemical variation, residue mobility, and thermodynamic stability) indicates that this missense variant is not expected to disrupt SPRED1 protein function with a negative predictive value of 80%. In summary, the available evidence is currently insufficient to determine the role of this variant in disease. Therefore, it has been classified as a Variant of Uncertain Significance.

Fulgent Genetics
Classification: Uncertain significance for Legius syndrome. Last evaluated: 2024-05-23. Review status: criteria provided, single submitter. Criteria: ACMG Guidelines, 2015. Collection method: clinical testing. Allele origin: germline.

GeneDx
Classification: Uncertain significance. Last evaluated: 2020-03-16. Review status: criteria provided, single submitter. Criteria: GeneDx Variant Classification Process June 2021. Collection method: clinical testing. Allele origin: germline. Affected: yes.
Comment: In silico analysis supports that this missense variant does not alter protein structure/function; Has not been previously published as pathogenic or benign to our knowledge

Literature cited by the submitters: PubMed 33057194 (cited by Labcorp Genetics (formerly Invitae), Labcorp); PubMed 35982159 (cited by Labcorp Genetics (formerly Invitae), Labcorp).

NM_152594.3(SPRED1):c.1261G>A (p.Val421Ile)

Gene: SPRED1 (sprouty related EVH1 domain containing 1; plus strand). Cytogenetic location: 15q14.
Variant type: single nucleotide variant.
Coding change: c.1261G>A on transcript NM_152594.3 (MANE Select); coding-DNA position 1261, G replaced by A.
Protein change: p.Val421Ile; replaces valine 421 with isoleucine.
Molecular consequence: missense variant.
Genome position (GRCh38, 1-based): chr15:38,351,590, G>A. VCF-style: chr15-38351590-G-A. GRCh37 (hg19) VCF-style: chr15-38643791-G-A.
Other names: short protein forms V421I.
Identifiers: ClinVar variation 1312588 (VCV001312588.11), dbSNP rs752958999, ClinGen allele CA7470255.